The following is an entry in ClinVar:

ClinVar aggregate classification (germline): Uncertain significance (1 of 4 stars; one submission).

Submission:

GeneDx
Classification: Uncertain significance. Last evaluated: 2024-01-18. Review status: criteria provided, single submitter. Criteria: GeneDx Variant Classification Process June 2021. Collection method: clinical testing. Allele origin: germline. Affected: yes.
Comment: Not observed at significant frequency in large population cohorts (gnomAD); In silico analysis supports that this missense variant does not alter protein structure/function; Has not been previously published as pathogenic or benign to our knowledge

NM_001429.4(EP300):c.6767G>C (p.Ser2256Thr)

Gene: EP300 (E1A binding protein p300; plus strand). Cytogenetic location: 22q13.2.
Variant type: single nucleotide variant.
Coding change: c.6767G>C on transcript NM_001429.4 (MANE Select); coding-DNA position 6767, G replaced by C.
Protein change: p.Ser2256Thr; replaces serine 2256 with threonine.
Molecular consequence: missense variant.
Genome position (GRCh38, 1-based): chr22:41,178,478, G>C. VCF-style: chr22-41178478-G-C. GRCh37 (hg19) VCF-style: chr22-41574482-G-C.
Other names: c.6689G>C, p.Ser2230Thr (NM_001362843.2); short protein forms S2230T, S2256T.
Identifiers: ClinVar variation 3367582 (VCV003367582.1).